The following is an entry in ClinVar:

ClinVar aggregate classification (germline): Uncertain significance (1 of 4 stars; one submission).

Conditions:
Nemaline myopathy 2 (NEM2). Also called: Nemaline myopathy 2, autosomal recessive. Identifiers: MedGen C1850569, MONDO:0009725, OMIM 256030.

gnomAD v4.1: 1 of 1,579,972 alleles (0.000063%); highest among the groups gnomAD compares: South Asian, 0.0012%; no homozygotes.

Submission:

Labcorp Genetics (formerly Invitae), Labcorp
Classification: Uncertain significance for Nemaline myopathy 2. Last evaluated: 2020-12-09. Review status: criteria provided, single submitter. Criteria: Invitae Variant Classification Sherloc (09022015). Collection method: clinical testing. Allele origin: germline.
Comment: In summary, the available evidence is currently insufficient to determine the role of this variant in disease. Therefore, it has been classified as a Variant of Uncertain Significance. Algorithms developed to predict the effect of missense changes on protein structure and function are either unavailable or do not agree on the potential impact of this missense change (SIFT: "Deleterious"; PolyPhen-2: Not Available; Align-GVGD: "Class C0"). This variant has not been reported in the literature in individuals with NEB-related conditions. This variant is not present in population databases (ExAC no frequency). This sequence change replaces alanine with glycine at codon 8238 of the NEB protein (p.Ala8238Gly). The alanine residue is moderately conserved and there is a small physicochemical difference between alanine and glycine.

NM_001164508.2(NEB):c.24608C>G (p.Ala8203Gly)

Genes: NEB (nebulin; minus strand), RIF1 (replication timing regulatory factor 1; plus strand). Cytogenetic location: 2q23.3.
Variant type: single nucleotide variant.
Coding change: c.24608C>G on transcript NM_001164508.2 (MANE Select); coding-DNA position 24608, C replaced by G.
Protein change: p.Ala8203Gly; replaces alanine 8203 with glycine.
Molecular consequence: missense variant.
Genome position (GRCh38, 1-based): chr2:151,493,839, G>C on the plus strand (C>G on the coding strand, the complement: NEB is on the minus strand). VCF-style: chr2-151493839-G-C. GRCh37 (hg19) VCF-style: chr2-152350353-G-C.
Other names: c.24608C>G, p.Ala8203Gly (NM_001164507.2); c.24713C>G, p.Ala8238Gly (NM_001271208.2); c.19040C>G, p.Ala6347Gly (NM_004543.5); short protein forms A6347G, A8203G, A8238G.
Identifiers: ClinVar variation 1421833 (VCV001421833.8), dbSNP rs2152863881, ClinGen allele CA348775568.